The following is an entry in ClinVar:

NM_206933.4(USH2A):c.12067-2A>G

Gene: USH2A (usherin; minus strand). Cytogenetic location: 1q41.
Variant type: single nucleotide variant.
Coding change: c.12067-2A>G on transcript NM_206933.4 (MANE Select); the canonical splice acceptor site of the intron before coding-DNA position 12067, A replaced by G.
Molecular consequence: splice acceptor variant.
Genome position (GRCh38, 1-based): chr1:215,680,378, T>C on the plus strand (A>G on the coding strand, the complement: USH2A is on the minus strand). VCF-style: chr1-215680378-T-C. GRCh37 (hg19) VCF-style: chr1-215853720-T-C.
Identifiers: ClinVar variation 48390 (VCV000048390.77), dbSNP rs397517978, ClinGen allele CA262073.

ClinVar aggregate classification (germline): Pathogenic. Review status: criteria provided, multiple submitters, no conflicts (2 of 4 stars). 19 submissions from 18 submitters: Pathogenic (18). 1 of the submissions does not count toward it. Last evaluated 2026-08-13.

Conditions:
Usher syndrome type 2. Also called: Usher Syndrome Type II. Identifiers: Orphanet 231178, MedGen C0339534, MONDO:0016484.
USH2A-related disorder. Also called: USH2A-related disorders; USH2A-related condition. Identifiers: MedGen CN239332.
Rare genetic deafness. Identifiers: Orphanet 96210, MedGen C5680250.
Retinal dystrophy. Also called: Inherited retinal dystrophy. Identifiers: Orphanet 71862, MedGen C0854723, MeSH D058499, MONDO:0019118, HP:0000556.
Retinitis pigmentosa 39 (RP39). Identifiers: Orphanet 791, MedGen C3151138, MONDO:0013436, OMIM 613809.
Usher syndrome type 2A. Also called: USHER SYNDROME, TYPE IIA; RETINAL DISEASE IN USHER SYNDROME TYPE IIA, MODIFIER OF. Identifiers: Orphanet 231178, Orphanet 886, MedGen C1848634, MONDO:0010169, OMIM 276901.

Allele frequency attached by ClinVar (database versions not stated): gnomAD 0.00001; gnomAD exomes 0.00002 and 0.00008; TOPMed 0.00006; ExAC 0.00007.
gnomAD v4.1: 36 of 1,608,340 alleles (0.0022%); highest among the groups gnomAD compares: Admixed American, 0.032%; no homozygotes.

Submissions 1 to 17 of 19:

PreventionGenetics, part of Exact Sciences
Classification: Pathogenic for USH2A-related condition. Last evaluated: 2026-08-13. Review status: criteria provided, single submitter. Criteria: ACMG Guidelines, 2015. Collection method: clinical testing. Allele origin: germline.
Comment: The USH2A c.12067-2A>G variant is predicted to disrupt the AG splice acceptor site and interfere with normal splicing. This variant has been reported many times as causative for Usher syndrome (Auslender et al. 2008. PubMed ID: 18452394; Aparisi et al. 2014. PubMed ID: 25404053; González-Del Pozo et al. 2018. PubMed ID: 30190494). This variant is reported in 0.041% of alleles in individuals of Latino descent in gnomAD. Variants that disrupt the consensus splice acceptor site in USH2A are an established mechanism of disease; however, it should be noted that skipping of this exon is predicted to result in an in-frame transcript. This variant is interpreted as pathogenic.

Labcorp Genetics (formerly Invitae), Labcorp
Classification: Pathogenic. Last evaluated: 2026-01-28. Review status: criteria provided, single submitter. Criteria: Invitae Variant Classification Sherloc (09022015). Collection method: clinical testing. Allele origin: germline.
Comment: This sequence change affects an acceptor splice site in intron 61 of the USH2A gene. It is expected to disrupt RNA splicing. Variants that disrupt the donor or acceptor splice site typically lead to a loss of protein function (PMID: 16199547), and loss-of-function variants in USH2A are known to be pathogenic (PMID: 10729113, 10909849, 20507924, 25649381). This variant is present in population databases (rs397517978, gnomAD 0.04%). Disruption of this splice site has been observed in individual(s) with Usher syndrome (PMID: 18452394, 22004887, 25404053, 28981474). In at least one individual the data is consistent with being in trans (on the opposite chromosome) from a pathogenic variant. It has also been observed to segregate with disease in related individuals. ClinVar contains an entry for this variant (Variation ID: 48390). Algorithms developed to predict the effect of sequence changes on RNA splicing suggest that this variant may disrupt the consensus splice site. For these reasons, this variant has been classified as Pathogenic.

3billion
Classification: Pathogenic for Retinitis pigmentosa 39. Last evaluated: 2025-12-12. Review status: criteria provided, single submitter. Criteria: ACMG Guidelines, 2015. Collection method: clinical testing. Allele origin: germline. Affected: yes.
Comment: The variant is observed at an extremely low frequency in the gnomAD v4.1.0 dataset (total allele frequency: 0.002%). Predicted Consequence/Location: Canonical splice site: predicted to alter splicing and result in a loss or disruption of normal protein function. Multiple pathogenic loss-of-function variants are reported downstream of the variant. In silico tools predict the variant to alter splicing and produce an abnormal transcript [SpliceAI: 0.97 (spliceogenicity >=0.2, non-spliceogenicity <0.1)]. The variant has been reported at least twice as pathogenic with clinical assertions and evidence for the classification (ClinVar ID: VCV000048390 /PMID: 18452394 /3billion dataset). Therefore, this variant is classified as Pathogenic according to the recommendation of ACMG/AMP guideline.

Natera, Inc.
Classification: Pathogenic for Usher syndrome type 2A. Last evaluated: 2025-11-17. Review status: criteria provided, single submitter. Criteria: Natera Variant Classification Schema (03/2026). Collection method: clinical testing. Allele origin: germline.
Comment: The c.12067-2A>G variant in USH2A is a canonical splice acceptor site variant predicted to affect pre-mRNA splicing, which may result in an abnormal transcript and altered protein product. This variant is expected to result in nonsense mediated decay, truncation, or a dysfunctional protein product. This variant is rare in the general population with a frequency below the threshold expected for the associated phenotype(s). This variant has been observed in one or more individuals affected with the associated recessive disease, as either homozygous or compound heterozygous with a second variant (PMID: 22004887). Given the available evidence, this variant is classified as Pathogenic.

Laboratory of Prof. Karen Avraham, Tel Aviv University
Classification: Pathogenic for Usher syndrome type 2A. Last evaluated: 2024-06-10. Review status: criteria provided, single submitter. Criteria: ACMG Guidelines, 2015. Collection method: research. Allele origin: germline. Affected: yes. Observed: 1 variant allele.
Comment: Pathogenic by Deafness Variation Database based and by ClinVar many entries

USH2A; high-tone HL

Baylor Genetics
Classification: Pathogenic for Retinitis pigmentosa 39. Last evaluated: 2024-03-18. Review status: criteria provided, single submitter. Criteria: ACMG Guidelines, 2015. Collection method: clinical testing. Allele origin: unknown.

GeneDx
Classification: Pathogenic. Last evaluated: 2023-10-19. Review status: criteria provided, single submitter. Criteria: GeneDx Variant Classification Process June 2021. Collection method: clinical testing. Allele origin: germline. Affected: yes.
Comment: Canonical splice site variant predicted to result in an in-frame loss of the adjacent exon in a gene for which loss of function is a known mechanism of disease; This variant is associated with the following publications: (PMID: 32531858, 34315337, 25525159, 25404053, 28981474, 26850479, 29490346, 30190494, 31456290, 34426522, 31589614, 32037395, 18641288, 22004887, 34948090, 34148116, 35266249, 36785559, 36819107, 36875754, 27460420, 36460718, 36979683, 37287646, 18452394)

Genome-Nilou Lab
Classification: Pathogenic for Retinitis pigmentosa 39. Last evaluated: 2023-04-11. Review status: criteria provided, single submitter. Criteria: ACMG Guidelines, 2015. Collection method: clinical testing. Allele origin: germline. Affected: no.

Genome-Nilou Lab
Classification: Pathogenic for Usher syndrome type 2A. Last evaluated: 2023-04-11. Review status: criteria provided, single submitter. Criteria: ACMG Guidelines, 2015. Collection method: clinical testing. Allele origin: germline. Affected: no.

Blueprint Genetics
Classification: Pathogenic for USH2A-related disorders. Last evaluated: 2023-02-17. Review status: criteria provided, single submitter. Criteria: ACMG Guidelines, 2015. Collection method: clinical testing. Allele origin: germline. Affected: yes. Observed: 5 variant alleles.

CeGaT Center for Human Genetics Tuebingen
Classification: Pathogenic. Last evaluated: 2021-10-01. Review status: criteria provided, single submitter. Criteria: CeGaT Center For Human Genetics Tuebingen Variant Classification Criteria Version 2. Collection method: clinical testing. Allele origin: germline. Affected: yes. Observed: 1 variant allele.

Myriad Genetics, Inc.
Classification: Pathogenic for Usher syndrome type 2A. Last evaluated: 2021-10-01. Review status: criteria provided, single submitter. Criteria: Myriad Women's Health Autosomal Recessive and X-Linked Classification Criteria (2021). Collection method: clinical testing. Allele origin: unknown.
Comment: NM_206933.2(USH2A):c.12067-2A>G is a canonical splice variant classified as pathogenic in the context of USH2A-related disorders. c.12067-2A>G has been observed in cases with relevant disease (PMID: 27460420, 18452394, 22004887). Functional assessments of this variant are not available in the literature. c.12067-2A>G has been observed in population frequency databases (gnomAD: AMR 0.04%). In summary, NM_206933.2(USH2A):c.12067-2A>G is a canonical splice variant in a gene where loss of function is a known mechanism of disease, is predicted to disrupt protein function, and has been observed more frequently in cases with the relevant disease than in healthy populations. Please note: this variant was assessed in the context of healthy population screening.

Ocular Genomics Institute, Massachusetts Eye and Ear
Classification: Pathogenic for Retinitis pigmentosa 39. Last evaluated: 2021-04-08. Review status: criteria provided, single submitter. Criteria: ACMG Guidelines, 2015. Collection method: research. Allele origin: germline. Affected: yes.
Comment: Through a review of available evidence we were able to apply the following criteria: PVS1, PM2, PM3, PP1, PP3. Based on this evidence we have classified this variant as Pathogenic.

Revvity Omics, Revvity
Classification: Pathogenic. Last evaluated: 2020-10-12. Review status: criteria provided, single submitter. Criteria: ACMG Guidelines, 2015. Collection method: clinical testing. Allele origin: germline.

Institute of Human Genetics, Univ. Regensburg, Univ. Regensburg
Classification: Pathogenic for Retinal dystrophy. Last evaluated: 2019-01-01. Review status: criteria provided, single submitter. Criteria: ACMG Guidelines, 2015. Collection method: clinical testing. Allele origin: germline. Affected: yes.

Fulgent Genetics
Classification: Pathogenic for Usher syndrome type 2A; Retinitis pigmentosa 39. Last evaluated: 2018-10-31. Review status: criteria provided, single submitter. Criteria: ACMG Guidelines, 2015. Collection method: clinical testing. Allele origin: unknown.

Eurofins Ntd Llc (ga)
Classification: Pathogenic. Last evaluated: 2016-05-10. Review status: criteria provided, single submitter. Criteria: EGL Classification Definitions 2015. Collection method: clinical testing. Allele origin: germline. Observed: 2 variant alleles, 2 heterozygotes.